The following is an entry in ClinVar:

NM_014363.6(SACS):c.164del (p.Gly55fs)

Genes: SACS (sacsin molecular chaperone; minus strand), LOC130009366 (ATAC-STARR-seq lymphoblastoid silent region 5172; plus strand). Cytogenetic location: 13q12.12.
Variant type: Deletion.
Coding change: c.164del on transcript NM_014363.6 (MANE Select); coding-DNA position 164, one base deleted (G; older notation c.164delG).
Protein change: p.Gly55fs; shifts the reading frame from glycine 55.
Molecular consequence: frameshift variant. On other transcripts: 5 prime UTR variant (1).
Genome position (GRCh38, 1-based): chr13:23,375,126, C deleted on the plus strand (G on the coding strand, the reverse complement: SACS is on the minus strand); the first of 2 consecutive C bases (chr13:23,375,126-23,375,127); deleting either gives the same sequence. VCF-style (leftmost placement, unchanged base first): chr13-23375125-GC-G. GRCh37 (hg19) VCF-style: chr13-23949264-GC-G.
Other names: c.-190del (NM_001278055.2); c.164del, p.Gly55fs (NM_001437336.1); short protein forms G55fs.
Identifiers: ClinVar variation 5013294 (VCV005013294.1).

ClinVar aggregate classification (germline): Pathogenic (1 of 4 stars; one submission).

Conditions:
Charlevoix-Saguenay spastic ataxia (SACS). Also called: AUTOSOMAL RECESSIVE SPASTIC ATAXIA OF CHARLEVOIX-SAGUENAY; Spastic ataxia of Charlevoix-Saguenay; SPASTIC ATAXIA 6, AUTOSOMAL RECESSIVE. Identifiers: Orphanet 98, MedGen C1849140, MONDO:0010041, OMIM 270550.

Submission:

Myriad Genetics, Inc.
Classification: Pathogenic for Charlevoix-Saguenay spastic ataxia. Last evaluated: 2024-07-09. Review status: criteria provided, single submitter. Criteria: Myriad Autosomal Dominant, Autosomal Recessive and X-Linked Classification Criteria (2023). Collection method: clinical testing. Allele origin: unknown.
Comment: NM_014363.4(SACS):c.164delG(G55Afs*13) is expected to be pathogenic in the context of autosomal recessive spastic ataxia of Charlevoix-Saguenay. This variant is predicted to lead to an abnormal or absent protein product due to the creation of a premature termination codon in SACS, a gene where loss-of-function variants are known to be pathogenic. Please note: this variant was assessed in the context of healthy population screening.